The following is an entry in ClinVar:

NM_020163.3(SEMA3G):c.76C>A (p.Pro26Thr)

Gene: SEMA3G (semaphorin 3G; minus strand). Cytogenetic location: 3p21.1.
Variant type: single nucleotide variant.
Coding change: c.76C>A on transcript NM_020163.3 (MANE Select); coding-DNA position 76, C replaced by A.
Protein change: p.Pro26Thr; replaces proline 26 with threonine.
Molecular consequence: missense variant.
Genome position (GRCh38, 1-based): chr3:52,444,952, G>T on the plus strand (C>A on the coding strand, the complement: SEMA3G is on the minus strand). VCF-style: chr3-52444952-G-T. GRCh37 (hg19) VCF-style: chr3-52478968-G-T.
Other names: c.76C>A (NM_020163.2); short protein forms P26T.
Identifiers: ClinVar variation 4582172 (VCV004582172.2).

ClinVar aggregate classification (germline): Uncertain significance. Review status: criteria provided, multiple submitters, no conflicts (2 of 4 stars). 2 submissions from 2 submitters: Uncertain significance (2). Last evaluated 2025-10-30.

Conditions:
SEMA3G-related disorder. Also called: SEMA3G-related condition.

gnomAD v4.1: 13 of 1,304,108 alleles (0.001%); highest among the groups gnomAD compares: Admixed American, 0.0041%; no homozygotes.

Submissions (2):

Ambry Genetics
Classification: Uncertain significance. Last evaluated: 2025-10-30. Review status: criteria provided, single submitter. Criteria: Ambry Variant Classification Scheme 2023. Collection method: clinical testing. Allele origin: germline.

PreventionGenetics, part of Exact Sciences
Classification: Uncertain significance for SEMA3G-related condition. Last evaluated: 2024-12-03. Review status: criteria provided, single submitter. Criteria: ACMG Guidelines, 2015. Collection method: clinical testing. Allele origin: germline.
Comment: The SEMA3G c.76C>A variant is predicted to result in the amino acid substitution p.Pro26Thr. To our knowledge, this variant has not been reported in the literature or in a large population database (gnomAD), indicating this variant is rare. At this time, the clinical significance of this variant is uncertain due to the absence of conclusive functional and genetic evidence.